The following is an entry in ClinVar:

ClinVar aggregate classification (germline): Uncertain significance. Review status: criteria provided, multiple submitters, no conflicts (2 of 4 stars). 5 submissions from 5 submitters: Uncertain significance (5). Last evaluated 2026-04-07.

Conditions:
CLPB-related disorder. Also called: CLPB-related condition.
3-methylglutaconic aciduria, type VIIB (MGCA7B). Also called: 3-methylglutaconic aciduria, type VII, with cataracts, neurologic involvement and neutropenia; CLPB Deficiency; 3-methylglutaconic aciduria with cataracts, neurologic involvement and neutropenia. Identifiers: Orphanet 445038, MedGen C5676893, MONDO:0014561, OMIM 616271.

Allele frequency attached by ClinVar (database versions not stated): gnomAD exomes 0.00001 and 0.00003.
gnomAD v4.1: 38 of 1,613,372 alleles (0.0024%); highest among the groups gnomAD compares: Non-Finnish European, 0.003%; no homozygotes.

Submissions (5):

Women's Health and Genetics/Laboratory Corporation of America, LabCorp
Classification: Uncertain significance. Last evaluated: 2026-04-07. Review status: criteria provided, single submitter. Criteria: LabCorp Variant Classification Summary - May 2015. Collection method: clinical testing. Allele origin: germline.

PreventionGenetics, part of Exact Sciences
Classification: Uncertain significance for CLPB-related condition. Last evaluated: 2025-08-25. Review status: criteria provided, single submitter. Criteria: ACMG Guidelines, 2015. Collection method: clinical testing. Allele origin: germline.
Comment: The CLPB c.1579G>T variant is predicted to result in the amino acid substitution p.Asp527Tyr. To our knowledge, this variant has not been reported in the literature. This variant is reported in 0.0062% of alleles in individuals of African descent in gnomAD. At this time, the clinical significance of this variant is uncertain due to the absence of conclusive functional and genetic evidence.

GeneDx
Classification: Uncertain significance. Last evaluated: 2024-08-02. Review status: criteria provided, single submitter. Criteria: GeneDx Variant Classification Process June 2021. Collection method: clinical testing. Allele origin: germline. Affected: yes.
Comment: In silico analysis supports that this missense variant has a deleterious effect on protein structure/function; Has not been previously published as pathogenic or benign to our knowledge

Labcorp Genetics (formerly Invitae), Labcorp
Classification: Uncertain significance for 3-methylglutaconic aciduria, type VIIB. Last evaluated: 2022-09-29. Review status: criteria provided, single submitter. Criteria: Invitae Variant Classification Sherloc (09022015). Collection method: clinical testing. Allele origin: germline.
Comment: Algorithms developed to predict the effect of sequence changes on RNA splicing suggest that this variant may create or strengthen a splice site. This sequence change replaces aspartic acid, which is acidic and polar, with tyrosine, which is neutral and polar, at codon 527 of the CLPB protein (p.Asp527Tyr). This variant is present in population databases (no rsID available, gnomAD 0.007%). This variant has not been reported in the literature in individuals affected with CLPB-related conditions. ClinVar contains an entry for this variant (Variation ID: 1368910). Algorithms developed to predict the effect of missense changes on protein structure and function (SIFT, PolyPhen-2, Align-GVGD) all suggest that this variant is likely to be disruptive. In summary, the available evidence is currently insufficient to determine the role of this variant in disease. Therefore, it has been classified as a Variant of Uncertain Significance.

Blueprint Genetics
Classification: Uncertain significance. Last evaluated: 2022-08-15. Review status: criteria provided, single submitter. Criteria: ACMG Guidelines, 2015. Collection method: clinical testing. Allele origin: germline.

NM_001258392.3(CLPB):c.1489G>T (p.Asp497Tyr)

Gene: CLPB (ClpB family mitochondrial disaggregase; minus strand). Cytogenetic location: 11q13.4.
Variant type: single nucleotide variant.
Coding change: c.1489G>T on transcript NM_001258392.3 (MANE Select); coding-DNA position 1489, G replaced by T.
Protein change: p.Asp497Tyr; replaces aspartic acid 497 with tyrosine.
Molecular consequence: missense variant.
Genome position (GRCh38, 1-based): chr11:72,294,691, C>A on the plus strand (G>T on the coding strand, the complement: CLPB is on the minus strand). VCF-style: chr11-72294691-C-A. GRCh37 (hg19) VCF-style: chr11-72005735-C-A.
Other names: c.1402G>T, p.Asp468Tyr (NM_001258393.3); c.1444G>T, p.Asp482Tyr (NM_001258394.3); c.1579G>T, p.Asp527Tyr (NM_030813.6); c.1579G>T (NM_030813.5); short protein forms D468Y, D482Y, D497Y, D527Y.
Identifiers: ClinVar variation 1368910 (VCV001368910.12), dbSNP rs918777173, ClinGen allele CA381727345.